The following is an entry in ClinVar:

ClinVar aggregate classification (germline): Likely pathogenic (1 of 4 stars; one submission).

Conditions:
Cholestasis, progressive familial intrahepatic, 5 (PFIC5). Identifiers: Orphanet 480476, MedGen C4310747, MONDO:0014884, OMIM 617049.

Submission:

First Genomix Gene Laboratory, Genetic Diagnostics Department
Classification: Likely pathogenic for Cholestasis, progressive familial intrahepatic, 5. Last evaluated: 2025-09-01. Review status: criteria provided, single submitter. Criteria: ACMG Guidelines, 2015. Collection method: clinical testing. Allele origin: germline. Inheritance: Autosomal recessive inheritance. Affected: no. Observed: 1 variant allele.

NM_001206979.2(NR1H4):c.142C>T (p.Gln48Ter)

Gene: NR1H4 (nuclear receptor subfamily 1 group H member 4; plus strand). Cytogenetic location: 12q23.1.
Variant type: single nucleotide variant.
Coding change: c.142C>T on transcript NM_001206979.2 (MANE Select); coding-DNA position 142, C replaced by T.
Protein change: p.Gln48Ter; replaces glutamine 48 with a stop codon.
Molecular consequence: nonsense. On other transcripts: non-coding transcript variant (1).
Genome position (GRCh38, 1-based): chr12:100,510,840, C>T. VCF-style: chr12-100510840-C-T. GRCh37 (hg19) VCF-style: chr12-100904618-C-T.
Other names: c.142C>T, p.Gln48Ter (NM_001206977.2, NM_001206978.2, NM_005123.4); c.172C>T, p.Gln58Ter (NM_001206992.2, NM_001206993.2); short protein forms Q48*, Q58*.
Identifiers: ClinVar variation 4850241 (VCV004850241.1).